The following is an entry in ClinVar:

NM_001036.6(RYR3):c.13860+1G>A

Genes: AVEN (apoptosis and caspase activation inhibitor; minus strand), RYR3 (ryanodine receptor 3; plus strand). Cytogenetic location: 15q14.
Variant type: single nucleotide variant.
Coding change: c.13860+1G>A on transcript NM_001036.6 (MANE Select); the canonical splice donor site of the intron after coding-DNA position 13860, G replaced by A.
Molecular consequence: splice donor variant.
Genome position (GRCh38, 1-based): chr15:33,854,450, G>A. VCF-style: chr15-33854450-G-A. GRCh37 (hg19) VCF-style: chr15-34146651-G-A.
Other names: c.13845+1G>A (NM_001243996.4).
Identifiers: ClinVar variation 952745 (VCV000952745.4), dbSNP rs1268379736, ClinGen allele CA391600649.
Genomic context (GRCh38, chr15:33,854,450, plus strand): 5'-CTAAGTTCCATAGACATGAAGTACCATATCTGGAAGCTTGGAGTTGTTTTTACTGACAAC[G>A]TAAGTACTGCACCTGGAAAAACAAAATTCTATACCCCAGTTCAGGGATGCCACAGAGAAG-3'

ClinVar aggregate classification (germline): Uncertain significance (1 of 4 stars; one submission).

Conditions:
Epileptic encephalopathy. Identifiers: MedGen C0543888, HP:0200134.

Submissions (2):

Labcorp Genetics (formerly Invitae), Labcorp
Classification: Uncertain significance for Epileptic encephalopathy. Last evaluated: 2019-06-26. Review status: criteria provided, single submitter. Criteria: Invitae Variant Classification Sherloc (09022015). Collection method: clinical testing. Allele origin: germline.
Comment: This sequence change affects a donor splice site in intron 97 of the RYR3 gene. It is expected to disrupt RNA splicing and likely results in an absent or disrupted protein product. This variant is not present in population databases (ExAC no frequency). This variant has not been reported in the literature in individuals with RYR3-related conditions. Algorithms developed to predict the effect of sequence changes on RNA splicing suggest that this variant may disrupt the consensus splice site, but this prediction has not been confirmed by published transcriptional studies. The current clinical and genetic evidence is not sufficient to establish whether loss-of-function variants in RYR3 cause disease. In summary, the available evidence is currently insufficient to determine the role of this variant in disease. Therefore, it has been classified as a Variant of Uncertain Significance.

Dr. Peter K. Rogan Lab, Western University
No classification provided (evidence only). Condition: Gastric cancer. Review status: no classification provided. Collection method: in vitro. Allele origin: not applicable. Functional consequence: retained intron. Not counted in ClinVar's aggregate classification.